The following is an entry in ClinVar:

NM_007194.4(CHEK2):c.1163C>G (p.Pro388Arg)

Gene: CHEK2 (checkpoint kinase 2; minus strand). Cytogenetic location: 22q12.1.
Variant type: single nucleotide variant.
Coding change: c.1163C>G on transcript NM_007194.4 (MANE Select); coding-DNA position 1163, C replaced by G.
Protein change: p.Pro388Arg; replaces proline 388 with arginine.
Molecular consequence: missense variant.
Genome position (GRCh38, 1-based): chr22:28,695,806, G>C on the plus strand (C>G on the coding strand, the complement: CHEK2 is on the minus strand). VCF-style: chr22-28695806-G-C. GRCh37 (hg19) VCF-style: chr22-29091794-G-C.
Other names: c.1292C>G, p.Pro431Arg (NM_001005735.3); c.500C>G, p.Pro167Arg (NM_001257387.3); c.962C>G, p.Pro321Arg (NM_001349956.3); c.1076C>G, p.Pro359Arg (NM_145862.3); short protein forms P431R, P167R, P359R, P321R, P388R.
Identifiers: ClinVar variation 844906 (VCV000844906.10), dbSNP rs1601722891, ClinGen allele CA411096849.

ClinVar aggregate classification (germline): Uncertain significance (1 of 4 stars; one submission).

Conditions:
Familial cancer of breast. Also called: hereditary breast carcinoma; Hereditary breast cancer; BREAST CANCER, FAMILIAL. Identifiers: Orphanet 227535, MedGen C0346153, MONDO:0016419, OMIM 114480. Disease mechanism: loss of function.

Submission:

Labcorp Genetics (formerly Invitae), Labcorp
Classification: Uncertain significance for Familial cancer of breast. Last evaluated: 2019-01-24. Review status: criteria provided, single submitter. Criteria: Invitae Variant Classification Sherloc (09022015). Collection method: clinical testing. Allele origin: germline.
Comment: This sequence change replaces proline with arginine at codon 388 of the CHEK2 protein (p.Pro388Arg). The proline residue is highly conserved and there is a moderate physicochemical difference between proline and arginine. This variant is not present in population databases (ExAC no frequency). In summary, the available evidence is currently insufficient to determine the role of this variant in disease. Therefore, it has been classified as a Variant of Uncertain Significance. Algorithms developed to predict the effect of missense changes on protein structure and function are either unavailable or do not agree on the potential impact of this missense change (SIFT: "Deleterious"; PolyPhen-2: "Probably Damaging"; Align-GVGD: "Class C0"). This variant has not been reported in the literature in individuals with CHEK2-related conditions.